The following is an entry in ClinVar:

NM_002936.6(RNASEH1):c.344del (p.Ala115fs)

Gene: RNASEH1 (ribonuclease H1; minus strand). Cytogenetic location: 2p25.3.
Variant type: Deletion.
Coding change: c.344del on transcript NM_002936.6 (MANE Select); coding-DNA position 344, one base deleted (C; older notation c.344delC).
Protein change: p.Ala115fs; shifts the reading frame from alanine 115.
Molecular consequence: frameshift variant. On other transcripts: 5 prime UTR variant (1), non-coding transcript variant (7).
Genome position (GRCh38, 1-based): chr2:3,552,209, G deleted on the plus strand (C on the coding strand, the reverse complement: RNASEH1 is on the minus strand). VCF-style (leftmost placement, unchanged base first): chr2-3552208-TG-T. GRCh37 (hg19) VCF-style: chr2-3599798-TG-T.
Other names: p.Ala115Glufs*4; c.266del, p.Ala89fs (NM_001286834.3); c.-8del (NM_001286837.3); c.344del, p.Ala115fs (NM_001378271.1, NM_001378272.1, NM_001378273.1); short protein forms A115fs, A89fs.
Identifiers: ClinVar variation 4542529 (VCV004542529.1).

ClinVar aggregate classification (germline): Likely pathogenic (1 of 4 stars; one submission).

Submission:

Mayo Clinic Laboratories, Mayo Clinic
Classification: Likely pathogenic. Last evaluated: 2025-05-26. Review status: criteria provided, single submitter. Criteria: ACMG Guidelines, 2015. Collection method: clinical testing. Allele origin: germline. Observed: 1 variant allele.
Comment: PM2_supporting, PVS1